The following is an entry in ClinVar:

ClinVar aggregate classification (germline): Benign/Likely benign. Review status: criteria provided, multiple submitters, no conflicts (2 of 4 stars). 3 submissions from 3 submitters: Benign (1); Likely benign (1). 1 of the submissions does not count toward it. Last evaluated 2025-12-20.

Conditions:
CCNO-related disorder. Also called: CCNO-related condition.
Primary ciliary dyskinesia. Also called: Ciliary dyskinesia. Identifiers: Orphanet 244, MedGen C0008780, MONDO:0016575, HP:0012265.

Allele frequency attached by ClinVar (database versions not stated): gnomAD exomes 0.00030; ExAC 0.00051; ESP Exome Variant Server 0.00092; gnomAD 0.00129 and 0.00139; 1000 Genomes Project 30x 0.00141; TOPMed 0.00152; 1000 Genomes Project 0.00180.
gnomAD v4.1: 348 of 1,546,854 alleles (0.022%); highest among the groups gnomAD compares: African/African-American, 0.43%; no homozygotes.

Submissions (3):

Labcorp Genetics (formerly Invitae), Labcorp
Classification: Benign for Primary ciliary dyskinesia. Last evaluated: 2025-12-20. Review status: criteria provided, single submitter. Criteria: Invitae Variant Classification Sherloc (09022015). Collection method: clinical testing. Allele origin: germline.

Blueprint Genetics
Classification: Likely benign. Last evaluated: 2022-07-25. Review status: criteria provided, single submitter. Criteria: ACMG Guidelines, 2015. Collection method: clinical testing. Allele origin: germline.

PreventionGenetics, part of Exact Sciences
Classification: Likely benign for CCNO-related condition. Last evaluated: 2019-09-25. Review status: no assertion criteria provided. Collection method: clinical testing. Allele origin: germline. Not counted in ClinVar's aggregate classification.
Comment: This variant is classified as likely benign based on ACMG/AMP sequence variant interpretation guidelines (Richards et al. 2015 PMID: 25741868, with internal and published modifications).

NM_021147.5(CCNO):c.354G>A (p.Pro118=)

Gene: CCNO (cyclin O; minus strand). Cytogenetic location: 5q11.2.
Variant type: single nucleotide variant.
Coding change: c.354G>A on transcript NM_021147.5 (MANE Select); coding-DNA position 354, G replaced by A.
Protein change: p.Pro118=; no amino-acid change (proline 118 retained).
Molecular consequence: synonymous variant. On other transcripts: non-coding transcript variant (2).
Genome position (GRCh38, 1-based): chr5:55,233,170, C>T on the plus strand (G>A on the coding strand, the complement: CCNO is on the minus strand). VCF-style: chr5-55233170-C-T. GRCh37 (hg19) VCF-style: chr5-54528998-C-T.
Identifiers: ClinVar variation 416792 (VCV000416792.14), dbSNP rs368155527, ClinGen allele CA3266807.